The following is an entry in ClinVar:

ClinVar aggregate classification (germline): Likely benign. Review status: criteria provided, multiple submitters, no conflicts (2 of 4 stars). 2 submissions from 2 submitters: Likely benign (2). Last evaluated 2026-09-17.

Conditions:
IFT172-related disorder. Also called: IFT172-related condition; IFT172-related disorders.
Short-rib thoracic dysplasia 10 with or without polydactyly (SRTD10). Identifiers: Orphanet 474, MedGen C3810175, MONDO:0014284, OMIM 615630.
Retinitis pigmentosa 71 (RP71). Identifiers: Orphanet 791, MedGen C4225342, MONDO:0014618, OMIM 616394.

Allele frequency attached by ClinVar (database versions not stated): TOPMed below 0.00001; gnomAD 0.00001; gnomAD exomes 0.00001; ExAC 0.00002.
gnomAD v4.1: 4 of 1,614,046 alleles (0.00025%); highest among the groups gnomAD compares: Admixed American, 0.0067%; no homozygotes.

Submissions (2):

PreventionGenetics, part of Exact Sciences
Classification: Likely benign for IFT172-related condition. Last evaluated: 2026-09-17. Review status: criteria provided, single submitter. Criteria: ACMG Guidelines, 2015. Collection method: clinical testing. Allele origin: germline.
Comment: This variant is classified as likely benign based on ACMG/AMP sequence variant interpretation guidelines (Richards et al. 2015 PMID: 25741868, with internal and published modifications).

Labcorp Genetics (formerly Invitae), Labcorp
Classification: Likely benign for Retinitis pigmentosa 71; Short-rib thoracic dysplasia 10 with or without polydactyly. Last evaluated: 2023-06-07. Review status: criteria provided, single submitter. Criteria: Invitae Variant Classification Sherloc (09022015). Collection method: clinical testing. Allele origin: germline.

NM_015662.3(IFT172):c.1050G>A (p.Lys350=)

Gene: IFT172 (intraflagellar transport 172; minus strand). Cytogenetic location: 2p23.3.
Variant type: single nucleotide variant.
Coding change: c.1050G>A on transcript NM_015662.3 (MANE Select); coding-DNA position 1050, G replaced by A.
Protein change: p.Lys350=; no amino-acid change (lysine 350 retained).
Molecular consequence: synonymous variant.
Genome position (GRCh38, 1-based): chr2:27,478,112, C>T on the plus strand (G>A on the coding strand, the complement: IFT172 is on the minus strand). VCF-style: chr2-27478112-C-T. GRCh37 (hg19) VCF-style: chr2-27700979-C-T.
Other names: c.1050G>A (NM_015662.2); c.1050G>A, p.Lys350= (NM_001410739.1).
Identifiers: ClinVar variation 2950550 (VCV002950550.4), dbSNP rs745469699, ClinGen allele CA1580780.